The following is an entry in ClinVar:

ClinVar aggregate classification (germline): Likely pathogenic. Review status: criteria provided, multiple submitters, no conflicts (2 of 4 stars). 3 submissions from 3 submitters: Likely pathogenic (3). Last evaluated 2024-01-02.

Conditions:
Fanconi anemia complementation group O. Also called: RAD51C-Related Fanconi Anemia. Identifiers: Orphanet 84, MedGen C3150653, MONDO:0013248, OMIM 613390.
Breast-ovarian cancer, familial, susceptibility to, 3. Also called: RAD51C-Related Breast/Ovarian Cancer. Identifiers: Orphanet 145, MedGen C3150659, MONDO:0013253, OMIM 613399.

Submissions (3):

Myriad Genetics, Inc.
Classification: Likely pathogenic for Breast-ovarian cancer, familial, susceptibility to, 3. Last evaluated: 2024-01-02. Review status: criteria provided, single submitter. Criteria: Myriad Autosomal Dominant, Autosomal Recessive and X-Linked Classification Criteria (2023). Collection method: clinical testing. Allele origin: unknown.
Comment: This variant is considered likely pathogenic. This variant occurs within a consensus splice junction and is predicted to result in abnormal mRNA splicing of either an out-of-frame exon or an in-frame exon necessary for protein stability and/or normal function.

Department of Pathology and Laboratory Medicine, Sinai Health System
Classification: Likely pathogenic for Fanconi anemia complementation group O; Breast-ovarian cancer, familial, susceptibility to, 3. Last evaluated: 2020-08-12. Review status: criteria provided, single submitter. Criteria: ACMG Guidelines, 2015. Collection method: clinical testing. Allele origin: germline.

Labcorp Genetics (formerly Invitae), Labcorp
Classification: Likely pathogenic for Fanconi anemia complementation group O. Last evaluated: 2018-07-03. Review status: criteria provided, single submitter. Criteria: Invitae Variant Classification Sherloc (09022015). Collection method: clinical testing. Allele origin: germline.
Comment: Donor and acceptor splice site variants typically lead to a loss of protein function (PMID: 16199547), and loss-of-function variants in RAD51C are known to be pathogenic (PMID: 20400964, 21990120, 24800917). Algorithms developed to predict the effect of sequence changes on RNA splicing suggest that this variant may disrupt the consensus splice site, but this prediction has not been confirmed by published transcriptional studies. This variant has not been reported in the literature in individuals with RAD51C-related disease. ClinVar contains an entry for this variant (Variation ID: 241766). This variant is not present in population databases (ExAC no frequency). This sequence change deletes 6 nucleotides and inserts 5 nucleotides (c.145+2_145+7delinsCTAAG) in intron 1 of RAD51C. It affects a donor splice site as well as highly conserved nucleotides near the donor splice site. It is expected to disrupt mRNA splicing and likely results in an absent or disrupted protein product. In summary, the currently available evidence indicates that the variant is pathogenic, but additional data are needed to prove that conclusively. Therefore, this variant has been classified as Likely Pathogenic.

Literature cited by the submitters: PubMed 16199547 (cited by Labcorp Genetics (formerly Invitae), Labcorp); PubMed 20400964 (cited by Labcorp Genetics (formerly Invitae), Labcorp); PubMed 21990120 (cited by Labcorp Genetics (formerly Invitae), Labcorp); PubMed 24800917 (cited by Labcorp Genetics (formerly Invitae), Labcorp).

NM_058216.3(RAD51C):c.145+2_145+7delinsCTAAG

Genes: RAD51C (RAD51 paralog C; plus strand), LOC130061310 (ATAC-STARR-seq lymphoblastoid active region 12491; plus strand). Cytogenetic location: 17q22.
Variant type: Indel.
Coding change: c.145+2_145+7delinsCTAAG on transcript NM_058216.3 (MANE Select); the canonical splice donor site of the intron after coding-DNA position 145 through 7 bases into the intron after coding-DNA position 145, TAACGA replaced by CTAAG.
Molecular consequence: splice donor variant.
Genome position (GRCh38, 1-based): chr17:58,692,790-58,692,795, TAACGA replaced by CTAAG. VCF-style: chr17-58692790-TAACGA-CTAAG. GRCh37 (hg19) VCF-style: chr17-56770151-TAACGA-CTAAG.
Other names: c.145+2_145+7delinsCTAAG (NM_002876.4).
Identifiers: ClinVar variation 241766 (VCV000241766.9), dbSNP rs878855177, ClinGen allele CA10583601.
Genomic context (GRCh38, chr17:58,692,790, plus strand): 5'-TGCGGGGTTCCAGACTGCTGAGGAACTCCTAGAGGTGAAACCCTCCGAGCTTAGCAAAGG[TAACGA>CTAAG]CTCCTGATGGCAAGCTGAGGCACACCGGCCGCCGTCAGCGCCGCCTCAGTCTTCGTTCTC-3'